The following is an entry in ClinVar:

NM_001127222.2(CACNA1A):c.5702G>A (p.Arg1901His)

Gene: CACNA1A (calcium voltage-gated channel subunit alpha1 A; minus strand). Cytogenetic location: 19p13.13.
Variant type: single nucleotide variant.
Coding change: c.5702G>A on transcript NM_001127222.2 (MANE Select); coding-DNA position 5702, G replaced by A.
Protein change: p.Arg1901His; replaces arginine 1901 with histidine.
Molecular consequence: missense variant.
Genome position (GRCh38, 1-based): chr19:13,224,696, C>T on the plus strand (G>A on the coding strand, the complement: CACNA1A is on the minus strand). VCF-style: chr19-13224696-C-T. GRCh37 (hg19) VCF-style: chr19-13335510-C-T.
Other names: c.5702G>A (NM_001127222.1); c.5720G>A, p.Arg1907His (NM_000068.4, NM_023035.3); c.5705G>A, p.Arg1902His (NM_001127221.2); c.5711G>A, p.Arg1904His (NM_001174080.2); short protein forms R1901H, R1902H, R1904H, R1907H.
Identifiers: ClinVar variation 1314057 (VCV001314057.9), dbSNP rs2144595024, ClinGen allele CA404336867.

ClinVar aggregate classification (germline): Conflicting classifications of pathogenicity. Review status: criteria provided, conflicting classifications (1 of 4 stars). 4 submissions from 4 submitters: Likely pathogenic (1); Uncertain significance (3). Last evaluated 2025-09-10.

Conditions:
CACNA1A-related disorder. Also called: CACNA1A-related condition.

Submissions (4):

Dasa
Classification: Uncertain significance. Last evaluated: 2025-09-10. Review status: criteria provided, single submitter. Criteria: DASA Assertion Criteria. Collection method: clinical testing. Allele origin: germline.
Comment: NM_001127222.2(CACNA1A):c.5702G>A (p.Arg1901His) is a missense variant that results in the substitution of arginine with histidine. This variant is absent from population databases. Computational prediction algorithms are consistent with a deleterious effect. The currently available literature and clinical evidence are not sufficient to establish a definitive association between this variant and the reported condition. Therefore, this variant is classified as a variant of uncertain significance.

PreventionGenetics, part of Exact Sciences
Classification: Likely pathogenic for CACNA1A-related condition. Last evaluated: 2025-06-13. Review status: criteria provided, single submitter. Criteria: ACMG Guidelines, 2015. Collection method: clinical testing. Allele origin: germline.
Comment: The CACNA1A c.5702G>A variant is predicted to result in the amino acid substitution p.Arg1901His. To our knowledge, this variant has not been reported in the literature or in a large population database (gnomAD), indicating this variant is rare. This variant is interpreted as likely pathogenic.

GeneDx
Classification: Uncertain significance. Last evaluated: 2025-04-24. Review status: criteria provided, single submitter. Criteria: GeneDx Variant Classification Process June 2021. Collection method: clinical testing. Allele origin: germline. Affected: yes.
Comment: Not observed at significant frequency in large population cohorts (gnomAD); In silico analysis supports that this missense variant has a deleterious effect on protein structure/function; Has not been previously published as pathogenic or benign to our knowledge

Greenwood Genetic Center Diagnostic Laboratories, Greenwood Genetic Center
Classification: Uncertain significance. Last evaluated: 2024-12-17. Review status: criteria provided, single submitter. Criteria: ACMG Guidelines, 2015. Collection method: clinical testing. Allele origin: germline. Affected: yes.
Comment: PM2, PP2, PP3